The following is an entry in ClinVar:

NM_001267550.2(TTN):c.102595A>G (p.Ile34199Val)

Genes: TTN (titin; minus strand), TTN-AS1 (TTN antisense RNA 1; plus strand). Cytogenetic location: 2q31.2.
Variant type: single nucleotide variant.
Coding change: c.102595A>G on transcript NM_001267550.2 (MANE Select); coding-DNA position 102595, A replaced by G.
Protein change: p.Ile34199Val; replaces isoleucine 34199 with valine.
Molecular consequence: missense variant.
Genome position (GRCh38, 1-based): chr2:178,534,020, T>C on the plus strand (A>G on the coding strand, the complement: TTN is on the minus strand). VCF-style: chr2-178534020-T-C. GRCh37 (hg19) VCF-style: chr2-179398747-T-C.
Other names: p.I32558V:ATT>GTT; p.Ile32558Val; c.97672A>G, p.Ile32558Val (NM_001256850.1); c.75400A>G, p.Ile25134Val (NM_003319.4); c.94891A>G, p.Ile31631Val (NM_133378.4); c.75775A>G, p.Ile25259Val (NM_133432.3); c.75976A>G, p.Ile25326Val (NM_133437.4); short protein forms I34199V, I31631V, I32558V, I25134V, I25259V, I25326V.
Identifiers: ClinVar variation 47652 (VCV000047652.67), dbSNP rs56347248, ClinGen allele CA141609.

ClinVar aggregate classification (germline): Conflicting classifications of pathogenicity. Review status: criteria provided, conflicting classifications (1 of 4 stars). 25 submissions from 21 submitters: Uncertain significance (1); Benign (14); Likely benign (5). 5 of the submissions do not count toward it. Last evaluated 2026-09-01.

Conditions:
Cardiovascular phenotype. Identifiers: MedGen CN230736.
Dilated cardiomyopathy 1G (CMD1G). Identifiers: Orphanet 154, MedGen C1858763, MONDO:0011400, OMIM 604145.
Autosomal recessive limb-girdle muscular dystrophy type 2J (LGMDR10). Also called: MUSCULAR DYSTROPHY, LIMB-GIRDLE, AUTOSOMAL RECESSIVE 10; Limb-girdle muscular dystrophy, type 2J. Identifiers: Orphanet 140922, MedGen C1837342, MONDO:0012127, OMIM 608807.
Early-onset myopathy with fatal cardiomyopathy (CMYO5). Also called: CONGENITAL MYOPATHY 5 WITH CARDIOMYOPATHY; Salih Myopathy. Identifiers: Orphanet 289377, MedGen C2673677, MONDO:0012714, OMIM 611705. Disease mechanism: loss of function.
Myopathy, myofibrillar, 9, with early respiratory failure (MFM9). Also called: Myopathy, distal, with early respiratory failure, autosomal dominant; Hereditary myopathy with early respiratory failure; MYOPATHY, PROXIMAL, WITH EARLY RESPIRATORY MUSCLE INVOLVEMENT; EDSTROM MYOPATHY. Identifiers: Orphanet 178464, Orphanet 34521, MedGen C1863599, MONDO:0011362, OMIM 603689.
Tibial muscular dystrophy (TMD). Also called: Udd Distal Myopathy – Tibial Muscular Dystrophy; Tibial muscular dystrophy, tardive; UDD MYOPATHY. Identifiers: Orphanet 609, MedGen C1838244, MONDO:0010870, OMIM 600334.
Primary dilated cardiomyopathy (DCM). Also called: Dilated Cardiomyopathy. Identifiers: Orphanet 217604, MedGen C0007193, MeSH D002311, MONDO:0005021, HP:0001644. Inheritance: Various modes of inheritance.

Allele frequency attached by ClinVar (database versions not stated): ExAC 0.00425; gnomAD 0.00102 and 0.00175; gnomAD exomes 0.00218 and 0.00369; 1000 Genomes Project 30x 0.00593; 1000 Genomes Project 0.00599; TOPMed 0.00104; ESP Exome Variant Server 0.00148.

Submissions (25):

CeGaT Center for Human Genetics Tuebingen
Classification: Benign. Last evaluated: 2026-09-01. Review status: criteria provided, single submitter. Criteria: CeGaT Center For Human Genetics Tuebingen Variant Classification Criteria Version 2. Collection method: clinical testing. Allele origin: germline. Affected: yes. Observed: 18 variant alleles.
Comment: TTN: BP4, BS1, BS2

Labcorp Genetics (formerly Invitae), Labcorp
Classification: Benign for Dilated cardiomyopathy 1G; Autosomal recessive limb-girdle muscular dystrophy type 2J. Last evaluated: 2026-02-03. Review status: criteria provided, single submitter. Criteria: Invitae Variant Classification Sherloc (09022015). Collection method: clinical testing. Allele origin: germline.

ARUP Laboratories, Molecular Genetics and Genomics, ARUP Laboratories
Classification: Benign. Last evaluated: 2025-06-23. Review status: criteria provided, single submitter. Criteria: ARUP Molecular Germline Variant Investigation Process 2024. Collection method: clinical testing. Allele origin: germline.

Molecular Diagnostic Laboratory for Inherited Cardiovascular Disease, Montreal Heart Institute
Classification: Benign. Last evaluated: 2025-04-09. Review status: criteria provided, single submitter. Criteria: ACMG Guidelines, 2015. Collection method: clinical testing. Allele origin: germline. Affected: no.

Athena Diagnostics
Classification: Benign. Last evaluated: 2025-01-21. Review status: criteria provided, single submitter. Criteria: Athena Diagnostics Criteria. Collection method: clinical testing. Allele origin: unknown.
Comment: The frequency of this variant in the general population is higher than would generally be expected for pathogenic variants in this gene.

Mayo Clinic Laboratories, Mayo Clinic
Classification: Benign. Last evaluated: 2023-06-16. Review status: criteria provided, single submitter. Criteria: ACMG Guidelines, 2015. Collection method: clinical testing. Allele origin: germline. Observed: 8 variant alleles.
Comment: BS1, BS2

Women's Health and Genetics/Laboratory Corporation of America, LabCorp
Classification: Likely benign. Last evaluated: 2020-01-06. Review status: criteria provided, single submitter. Criteria: LabCorp Variant Classification Summary - May 2015. Collection method: clinical testing. Allele origin: germline.

Illumina Laboratory Services, Illumina
Classification: Benign for Myopathy, myofibrillar, 9, with early respiratory failure. Last evaluated: 2018-01-13. Review status: criteria provided, single submitter. Criteria: ICSL Variant Classification Criteria 13 December 2019. Collection method: clinical testing. Allele origin: germline.
Comment: This variant was observed in the ICSL laboratory as part of a predisposition screen in an ostensibly healthy population. It had not been previously curated by ICSL or reported in the Human Gene Mutation Database (HGMD: prior to June 1st, 2018), and was therefore a candidate for classification through an automated scoring system. Utilizing variant allele frequency, disease prevalence and penetrance estimates, and inheritance mode, an automated score was calculated to assess if this variant is too frequent to cause the disease. Based on the score and internal cut-off values, a variant classified as benign is not then subjected to further curation. The score for this variant resulted in a classification of benign for this disease.

Illumina Laboratory Services, Illumina
Classification: Likely benign for Dilated cardiomyopathy 1G. Last evaluated: 2018-01-13. Review status: criteria provided, single submitter. Criteria: ICSL Variant Classification Criteria 13 December 2019. Collection method: clinical testing. Allele origin: germline.
Comment: This variant was observed in the ICSL laboratory as part of a predisposition screen in an ostensibly healthy population. It had not been previously curated by ICSL or reported in the Human Gene Mutation Database (HGMD: prior to June 1st, 2018), and was therefore a candidate for classification through an automated scoring system. Utilizing variant allele frequency, disease prevalence and penetrance estimates, and inheritance mode, an automated score was calculated to assess if this variant is too frequent to cause the disease. Based on the score and internal cut-off values, a variant classified as likely benign is not then subjected to further curation. The score for this variant resulted in a classification of likely benign for this disease.

Illumina Laboratory Services, Illumina
Classification: Benign for Tibial muscular dystrophy. Last evaluated: 2018-01-13. Review status: criteria provided, single submitter. Criteria: ICSL Variant Classification Criteria 13 December 2019. Collection method: clinical testing. Allele origin: germline.
Comment: the same text as in the submission from Illumina Laboratory Services, Illumina above.

Illumina Laboratory Services, Illumina
Classification: Likely benign for Early-onset myopathy with fatal cardiomyopathy. Last evaluated: 2018-01-13. Review status: criteria provided, single submitter. Criteria: ICSL Variant Classification Criteria 13 December 2019. Collection method: clinical testing. Allele origin: germline.
Comment: the same text as in the submission from Illumina Laboratory Services, Illumina above.

Illumina Laboratory Services, Illumina
Classification: Likely benign for Autosomal recessive limb-girdle muscular dystrophy type 2J. Last evaluated: 2018-01-13. Review status: criteria provided, single submitter. Criteria: ICSL Variant Classification Criteria 13 December 2019. Collection method: clinical testing. Allele origin: germline.
Comment: the same text as in the submission from Illumina Laboratory Services, Illumina above.

Center for Advanced Laboratory Medicine, UC San Diego Health, University of California San Diego
Classification: Benign for Dilated cardiomyopathy. Last evaluated: 2017-02-28. Review status: criteria provided, single submitter. Criteria: ACMG Guidelines, 2015. Collection method: clinical testing. Allele origin: germline. Affected: yes. Observed: 1 variant allele.

Ambry Genetics
Classification: Benign for Cardiovascular phenotype. Last evaluated: 2016-07-15. Review status: criteria provided, single submitter. Criteria: Ambry Variant Classification Scheme 2023. Collection method: clinical testing. Allele origin: germline.

GeneDx
Classification: Benign. Last evaluated: 2016-02-08. Review status: criteria provided, single submitter. Criteria: GeneDx Variant Classification (06012015). Collection method: clinical testing. Allele origin: germline. Affected: yes.
Comment: This variant is considered likely benign or benign based on one or more of the following criteria: it is a conservative change, it occurs at a poorly conserved position in the protein, it is predicted to be benign by multiple in silico algorithms, and/or has population frequency not consistent with disease.

Eurofins Ntd Llc (ga)
Classification: Benign. Last evaluated: 2015-09-03. Review status: criteria provided, single submitter. Criteria: EGL Classification Definitions 2015. Collection method: clinical testing. Allele origin: germline. Observed: 1 variant allele, 1 heterozygote.

Laboratory for Molecular Medicine, Mass General Brigham Personalized Medicine
Classification: Benign. Last evaluated: 2015-02-25. Review status: criteria provided, single submitter. Criteria: LMM Criteria. Collection method: clinical testing. Allele origin: germline. Observed: 13 variant alleles.
Comment: p.Ile31631Val in exon 307 of TTN: This variant is not expected to have clinical significance because it has been identified in 2.3% (384/16510) of South Asian c hromosomes by the Exome Aggregation Consortium (ExAC .org; dbSNP rs56347248).

Genetic Services Laboratory, University of Chicago
Classification: Uncertain significance. Last evaluated: 2014-03-17. Review status: criteria provided, single submitter. Criteria: ACMG Guidelines, 2007. Collection method: clinical testing. Allele origin: germline.

Biesecker Lab/Clinical Genomics Section, National Institutes of Health
Classification: Likely benign. Last evaluated: 2013-06-24. Review status: criteria provided, single submitter. Criteria: Ng et al. (Circ Cardiovasc Genet. 2013). Collection method: research. Allele origin: unknown. Observed: 4 variant alleles. Study: ClinSeq.
Comment: The study set was not selected for affection status in relation to any cancer. Pathogenicity categories were based on literature curation. See Pubmed ID:23861362 for details.

Medical sequencing

PreventionGenetics, part of Exact Sciences
Classification: Benign. Review status: criteria provided, single submitter. Criteria: ACMG Guidelines, 2015. Collection method: clinical testing. Allele origin: germline.

Clinical Genetics DNA and cytogenetics Diagnostics Lab, Erasmus MC, Erasmus Medical Center
Classification: Likely benign. Review status: no assertion criteria provided. Collection method: clinical testing. Allele origin: germline. Affected: yes. Study: VKGL Data-share Consensus. Not counted in ClinVar's aggregate classification.

Clinical Genetics, Academic Medical Center
Classification: Benign. Review status: no assertion criteria provided. Collection method: clinical testing. Allele origin: germline. Affected: yes. Study: VKGL Data-share Consensus. Not counted in ClinVar's aggregate classification.

Diagnostic Laboratory, Department of Genetics, University Medical Center Groningen
Classification: Likely benign. Review status: no assertion criteria provided. Collection method: clinical testing. Allele origin: germline. Affected: yes. Study: VKGL Data-share Consensus. Not counted in ClinVar's aggregate classification.

Joint Genome Diagnostic Labs from Nijmegen and Maastricht, Radboudumc and MUMC+
Classification: Benign. Review status: no assertion criteria provided. Collection method: clinical testing. Allele origin: germline. Affected: yes. Study: VKGL Data-share Consensus. Not counted in ClinVar's aggregate classification.

Laboratory of Diagnostic Genome Analysis, Leiden University Medical Center (LUMC)
Classification: Likely benign. Review status: no assertion criteria provided. Collection method: clinical testing. Allele origin: germline. Affected: yes. Study: VKGL Data-share Consensus. Not counted in ClinVar's aggregate classification.